The following is an entry in ClinVar:

ClinVar aggregate classification (germline): Uncertain significance (1 of 4 stars; one submission).

Allele frequency attached by ClinVar (database versions not stated): gnomAD exomes below 0.00001.
gnomAD v4.1: 3 of 1,611,386 alleles (0.00019%); highest among the groups gnomAD compares: African/African-American, 0.0013%; no homozygotes.

Submission:

Labcorp Genetics (formerly Invitae), Labcorp
Classification: Uncertain significance. Last evaluated: 2023-12-11. Review status: criteria provided, single submitter. Criteria: Invitae Variant Classification Sherloc (09022015). Collection method: clinical testing. Allele origin: germline.
Comment: This sequence change replaces phenylalanine, which is neutral and non-polar, with cysteine, which is neutral and slightly polar, at codon 353 of the TMPRSS15 protein (p.Phe353Cys). This variant is not present in population databases (gnomAD no frequency). This variant has not been reported in the literature in individuals affected with TMPRSS15-related conditions. ClinVar contains an entry for this variant (Variation ID: 2091394). An algorithm developed to predict the effect of missense changes on protein structure and function (PolyPhen-2) suggests that this variant is likely to be disruptive. In summary, the available evidence is currently insufficient to determine the role of this variant in disease. Therefore, it has been classified as a Variant of Uncertain Significance.

NM_002772.3(TMPRSS15):c.1058T>G (p.Phe353Cys)

Gene: TMPRSS15 (transmembrane serine protease 15; minus strand). Cytogenetic location: 21q21.1.
Variant type: single nucleotide variant.
Coding change: c.1058T>G on transcript NM_002772.3 (MANE Select); coding-DNA position 1058, T replaced by G.
Protein change: p.Phe353Cys; replaces phenylalanine 353 with cysteine.
Molecular consequence: missense variant.
Genome position (GRCh38, 1-based): chr21:18,353,016, A>C on the plus strand (T>G on the coding strand, the complement: TMPRSS15 is on the minus strand). VCF-style: chr21-18353016-A-C. GRCh37 (hg19) VCF-style: chr21-19725333-A-C.
Other names: short protein forms F353C.
Identifiers: ClinVar variation 2091394 (VCV002091394.4), dbSNP rs2075586555, ClinGen allele CA409851463.